The following is an entry in ClinVar:

NM_002907.4(RECQL):c.647T>C (p.Ile216Thr)

Gene: RECQL (RecQ like helicase; minus strand). Cytogenetic location: 12p12.1.
Variant type: single nucleotide variant.
Coding change: c.647T>C on transcript NM_002907.4 (MANE Select); coding-DNA position 647, T replaced by C.
Protein change: p.Ile216Thr; replaces isoleucine 216 with threonine.
Molecular consequence: missense variant.
Genome position (GRCh38, 1-based): chr12:21,483,429, A>G on the plus strand (T>C on the coding strand, the complement: RECQL is on the minus strand). VCF-style: chr12-21483429-A-G. GRCh37 (hg19) VCF-style: chr12-21636363-A-G.
Other names: c.647T>C, p.Ile216Thr (NM_032941.3); short protein forms I216T.
Identifiers: ClinVar variation 2565592 (VCV002565592.2), dbSNP rs759377352, ClinGen allele CA6479017.

ClinVar aggregate classification (germline): Uncertain significance (1 of 4 stars; one submission).

Allele frequency attached by ClinVar (database versions not stated): gnomAD exomes 0.00001; ExAC 0.00002.
gnomAD v4.1: 4 of 1,606,286 alleles (0.00025%); highest among the groups gnomAD compares: Admixed American, 0.007%; no homozygotes.

Submission:

Ambry Genetics
Classification: Uncertain significance. Last evaluated: 2023-05-28. Review status: criteria provided, single submitter. Criteria: Ambry Variant Classification Scheme 2023. Collection method: clinical testing. Allele origin: germline.
Comment: The p.I216T variant (also known as c.647T>C), located in coding exon 5 of the RECQL gene, results from a T to C substitution at nucleotide position 647. The isoleucine at codon 216 is replaced by threonine, an amino acid with similar properties. This amino acid position is conserved. In addition, the in silico prediction for this alteration is inconclusive. Since supporting evidence is limited at this time, the clinical significance of this alteration remains unclear.